The following is an entry in ClinVar:

NM_001042492.3(NF1):c.8086C>T (p.Pro2696Ser)

Gene: NF1 (neurofibromin 1; plus strand). Cytogenetic location: 17q11.2.
Variant type: single nucleotide variant.
Coding change: c.8086C>T on transcript NM_001042492.3 (MANE Select); coding-DNA position 8086, C replaced by T.
Protein change: p.Pro2696Ser; replaces proline 2696 with serine.
Molecular consequence: missense variant.
Genome position (GRCh38, 1-based): chr17:31,358,595, C>T. VCF-style: chr17-31358595-C-T. GRCh37 (hg19) VCF-style: chr17-29685613-C-T.
Other names: c.8023C>T, p.Pro2675Ser (NM_000267.4); short protein forms P2696S, P2675S.
Identifiers: ClinVar variation 2706002 (VCV002706002.3), dbSNP rs764508546, ClinGen allele CA289711057.

ClinVar aggregate classification (germline): Uncertain significance (1 of 4 stars; one submission).

Conditions:
Neurofibromatosis, type 1 (NF1). Also called: Peripheral type neurofibromatosis; VON RECKLINGHAUSEN DISEASE; NEUROFIBROMATOSIS, TYPE I, SOMATIC; Neurofibromatosis, type I. Identifiers: Orphanet 636, MedGen C0027831, MONDO:0018975, OMIM 162200. Disease mechanism: loss of function.

Allele frequency attached by ClinVar (database versions not stated): gnomAD exomes below 0.00001.
gnomAD v4.1: 1 of 1,614,002 alleles (0.000062%); highest among the groups gnomAD compares: Non-Finnish European, 0.000085%; no homozygotes.

Submission:

Labcorp Genetics (formerly Invitae), Labcorp
Classification: Uncertain significance for Neurofibromatosis, type 1. Last evaluated: 2023-12-28. Review status: criteria provided, single submitter. Criteria: Invitae Variant Classification Sherloc (09022015). Collection method: clinical testing. Allele origin: germline.
Comment: This sequence change replaces proline, which is neutral and non-polar, with serine, which is neutral and polar, at codon 2675 of the NF1 protein (p.Pro2675Ser). This variant is not present in population databases (gnomAD no frequency). This variant has not been reported in the literature in individuals affected with NF1-related conditions. Advanced modeling of protein sequence and biophysical properties (such as structural, functional, and spatial information, amino acid conservation, physicochemical variation, residue mobility, and thermodynamic stability) performed at Invitae indicates that this missense variant is not expected to disrupt NF1 protein function with a negative predictive value of 95%. In summary, the available evidence is currently insufficient to determine the role of this variant in disease. Therefore, it has been classified as a Variant of Uncertain Significance.